The following is an entry in ClinVar:

ClinVar aggregate classification (germline): Uncertain significance (1 of 4 stars; one submission).

Conditions:
Inborn genetic diseases. Identifiers: MedGen C0950123, MeSH D030342.

Submission:

Ambry Genetics
Classification: Uncertain significance for Inborn genetic diseases. Last evaluated: 2025-04-28. Review status: criteria provided, single submitter. Criteria: Ambry Variant Classification Scheme 2023. Collection method: clinical testing. Allele origin: germline.
Comment: The p.S1514R variant (also known as c.4542T>A), located in coding exon 1 of the SAMD9 gene, results from a T to A substitution at nucleotide position 4542. The serine at codon 1514 is replaced by arginine, an amino acid with dissimilar properties. This amino acid position is conserved. In addition, this alteration is predicted to be tolerated by in silico analysis. Based on the available evidence, the clinical significance of this variant remains unclear.

NM_017654.4(SAMD9):c.4542T>A (p.Ser1514Arg)

Gene: SAMD9 (sterile alpha motif domain containing 9; minus strand). Cytogenetic location: 7q21.2.
Variant type: single nucleotide variant.
Coding change: c.4542T>A on transcript NM_017654.4 (MANE Select); coding-DNA position 4542, T replaced by A.
Protein change: p.Ser1514Arg; replaces serine 1514 with arginine.
Molecular consequence: missense variant.
Genome position (GRCh38, 1-based): chr7:93,101,556, A>T on the plus strand (T>A on the coding strand, the complement: SAMD9 is on the minus strand). VCF-style: chr7-93101556-A-T. GRCh37 (hg19) VCF-style: chr7-92730869-A-T.
Other names: c.4542T>A, p.Ser1514Arg (NM_001193307.2); short protein forms S1514R.
Identifiers: ClinVar variation 3949594 (VCV003949594.1).